The following is an entry in ClinVar:

ClinVar aggregate classification (germline): Uncertain significance. Review status: criteria provided, single submitter (1 of 4 stars). 2 submissions from 2 submitters: Uncertain significance (1). 1 of the submissions does not count toward it. Last evaluated 2025-10-15.

Conditions:
Familial cancer of breast. Also called: BREAST CANCER, FAMILIAL; Hereditary breast cancer; hereditary breast carcinoma. Identifiers: Orphanet 227535, MedGen C0346153, MONDO:0016419, OMIM 114480. Disease mechanism: loss of function.

Submissions (2):

Labcorp Genetics (formerly Invitae), Labcorp
Classification: Uncertain significance for Familial cancer of breast. Last evaluated: 2025-10-15. Review status: criteria provided, single submitter. Criteria: Invitae Variant Classification Sherloc (09022015). Collection method: clinical testing. Allele origin: germline.
Comment: This sequence change replaces tryptophan, which is neutral and slightly polar, with arginine, which is basic and polar, at codon 877 of the PALB2 protein (p.Trp877Arg). This variant is not present in population databases (gnomAD no frequency). This missense change has been observed in individual(s) with breast cancer (PMID: 30287823). ClinVar contains an entry for this variant (Variation ID: 830176). Invitae Evidence Modeling of protein sequence and biophysical properties (such as structural, functional, and spatial information, amino acid conservation, physicochemical variation, residue mobility, and thermodynamic stability) indicates that this missense variant is expected to disrupt PALB2 protein function with a positive predictive value of 80%. In summary, the available evidence is currently insufficient to determine the role of this variant in disease. Therefore, it has been classified as a Variant of Uncertain Significance.

Leiden Open Variation Database
Classification: Uncertain significance. Last evaluated: 2018-10-10. Review status: no assertion criteria provided. Collection method: curation. Allele origin: germline. Affected: yes. Not counted in ClinVar's aggregate classification.
Comment: Curators: Marc Tischkowitz, Arleen D. Auerbach. Submitter to LOVD: Yukihide Momozawa.

Literature cited by the submitters: PubMed 30287823 (cited by Labcorp Genetics (formerly Invitae), Labcorp and Leiden Open Variation Database).

NM_024675.4(PALB2):c.2629T>C (p.Trp877Arg)

Gene: PALB2 (partner and localizer of BRCA2; minus strand). Cytogenetic location: 16p12.2.
Variant type: single nucleotide variant.
Coding change: c.2629T>C on transcript NM_024675.4 (MANE Select); coding-DNA position 2629, T replaced by C.
Protein change: p.Trp877Arg; replaces tryptophan 877 with arginine.
Molecular consequence: missense variant.
Genome position (GRCh38, 1-based): chr16:23,626,355, A>G on the plus strand (T>C on the coding strand, the complement: PALB2 is on the minus strand). VCF-style: chr16-23626355-A-G. GRCh37 (hg19) VCF-style: chr16-23637676-A-G.
Other names: short protein forms W877R.
Identifiers: ClinVar variation 830176 (VCV000830176.4), dbSNP rs1966842747, ClinGen allele CA395122174.